The following is an entry in ClinVar:

Conditions:
Long QT syndrome 5 (LQT5). Identifiers: Orphanet 101016, Orphanet 768, MedGen C1867904, MONDO:0013372, OMIM 613695.

Submission:

Roden Lab, Vanderbilt University Medical Center
No classification provided (evidence only). Condition: Long QT syndrome 5. Review status: no classification provided. Collection method: in vitro. Allele origin: not applicable. Functional consequence: Effect on ion channel function.
ClinVar note: "not provided" was previously submitted as the classification for the variant. However, the classification appeared to be based only on an observation of functional data so it was converted to no classification on 2025-07-30.

NM_000219.6(KCNE1):c.230C>G (p.Pro77Arg)

Gene: KCNE1 (potassium voltage-gated channel subfamily E regulatory subunit 1; minus strand). Cytogenetic location: 21q22.12.
Variant type: single nucleotide variant.
Coding change: c.230C>G on transcript NM_000219.6 (MANE Select); coding-DNA position 230, C replaced by G.
Protein change: p.Pro77Arg; replaces proline 77 with arginine.
Molecular consequence: missense variant.
Genome position (GRCh38, 1-based): chr21:34,449,405, G>C on the plus strand (C>G on the coding strand, the complement: KCNE1 is on the minus strand). VCF-style: chr21-34449405-G-C. GRCh37 (hg19) VCF-style: chr21-35821703-G-C.
Other names: c.230C>G, p.Pro77Arg (NM_001127668.4, NM_001127669.4, NM_001127670.4 and 4 more transcripts); short protein forms P77R.
Identifiers: ClinVar variation 3374385 (VCV003374385.2).